The following is an entry in ClinVar:

ClinVar aggregate classification (germline): Uncertain significance. Review status: criteria provided, multiple submitters, no conflicts (2 of 4 stars). 2 submissions from 2 submitters: Uncertain significance (2). Last evaluated 2025-06-23.

Conditions:
Inborn genetic diseases. Identifiers: MedGen C0950123, MeSH D030342.

gnomAD v4.1: 3 of 1,613,614 alleles (0.00019%); highest among the groups gnomAD compares: Non-Finnish European, 0.00017%; no homozygotes.

Submissions (2):

Ambry Genetics
Classification: Uncertain significance for Inborn genetic diseases. Last evaluated: 2025-06-23. Review status: criteria provided, single submitter. Criteria: Ambry Variant Classification Scheme 2023. Collection method: clinical testing. Allele origin: germline.

Labcorp Genetics (formerly Invitae), Labcorp
Classification: Uncertain significance. Last evaluated: 2024-02-05. Review status: criteria provided, single submitter. Criteria: Invitae Variant Classification Sherloc (09022015). Collection method: clinical testing. Allele origin: germline.
Comment: This sequence change replaces proline, which is neutral and non-polar, with alanine, which is neutral and non-polar, at codon 630 of the RP1 protein (p.Pro630Ala). This variant is not present in population databases (gnomAD no frequency). This variant has not been reported in the literature in individuals affected with RP1-related conditions. An algorithm developed to predict the effect of missense changes on protein structure and function (PolyPhen-2) suggests that this variant is likely to be disruptive. In summary, the available evidence is currently insufficient to determine the role of this variant in disease. Therefore, it has been classified as a Variant of Uncertain Significance.

NM_006269.2(RP1):c.1888C>G (p.Pro630Ala)

Gene: RP1 (RP1 axonemal microtubule associated; plus strand). Cytogenetic location: 8q12.1.
Variant type: single nucleotide variant.
Coding change: c.1888C>G on transcript NM_006269.2 (MANE Select); coding-DNA position 1888, C replaced by G.
Protein change: p.Pro630Ala; replaces proline 630 with alanine.
Molecular consequence: missense variant. On other transcripts: intron variant (1).
Genome position (GRCh38, 1-based): chr8:54,625,770, C>G. VCF-style: chr8-54625770-C-G. GRCh37 (hg19) VCF-style: chr8-55538330-C-G.
Other names: c.1888C>G (NM_006269.1); c.787+3482C>G (NM_001375654.1); short protein forms P630A.
Identifiers: ClinVar variation 2850283 (VCV002850283.4), dbSNP rs753226529, ClinGen allele CA370992276.
Genomic context (GRCh38, chr8:54,625,770, plus strand): 5'-GCAGATGCAACCCATTTTTCAAGTAATAACTCTGGAACTGACAAAAATATTTCTGAGGCT[C>G]CAGCTTCAGAAGCATCCTCTACTGTCACTGCAAGAATTGACAGACTAATTAATGAATTTG-3'
Protein context (NP_006260.1, residues 620-640): SGTDKNISEA[Pro630Ala]ASEASSTVTA